The following is an entry in ClinVar:

ClinVar aggregate classification (germline): Uncertain significance (1 of 4 stars; one submission).

Conditions:
Inborn genetic diseases. Identifiers: MedGen C0950123, MeSH D030342.

Submission:

Ambry Genetics
Classification: Uncertain significance for Inborn genetic diseases. Last evaluated: 2025-05-29. Review status: criteria provided, single submitter. Criteria: Ambry Variant Classification Scheme 2023. Collection method: clinical testing. Allele origin: germline.
Comment: The p.S519I variant (also known as c.1556G>T), located in coding exon 12 of the FANCG gene, results from a G to T substitution at nucleotide position 1556. The serine at codon 519 is replaced by isoleucine, an amino acid with dissimilar properties. This amino acid position is conserved. In addition, the in silico prediction for this alteration is inconclusive. Based on the available evidence, the clinical significance of this variant remains unclear.

NM_004629.2(FANCG):c.1556G>T (p.Ser519Ile)

Gene: FANCG (FA complementation group G; minus strand). Cytogenetic location: 9p13.3.
Variant type: single nucleotide variant.
Coding change: c.1556G>T on transcript NM_004629.2 (MANE Select); coding-DNA position 1556, G replaced by T.
Protein change: p.Ser519Ile; replaces serine 519 with isoleucine.
Molecular consequence: missense variant.
Genome position (GRCh38, 1-based): chr9:35,075,007, C>A on the plus strand (G>T on the coding strand, the complement: FANCG is on the minus strand). VCF-style: chr9-35075007-C-A. GRCh37 (hg19) VCF-style: chr9-35075004-C-A.
Other names: short protein forms S519I.
Identifiers: ClinVar variation 4022544 (VCV004022544.1).
Genomic context (GRCh38, chr9:35,075,007, plus strand): 5'-AGGAGGAAGTCCTGTAAGGCTTTGGTATCCTGGCCGCTGGCTACCCATTCCAGTCCACGA[C>A]TAATTAGGGCGGCTGCCCGAAGCTGCTGCAGTGCCGCATCTGACTTACATCCCTGCTCAC-3'
Protein context (NP_004620.1, residues 509-529): LQQLRAAALI[Ser519Ile]RGLEWVASGQ